The following is an entry in ClinVar:

ClinVar aggregate classification (germline): Conflicting classifications of pathogenicity. Review status: criteria provided, conflicting classifications (1 of 4 stars). 3 submissions from 3 submitters: Uncertain significance (1); Likely benign (1). 1 of the submissions does not count toward it. Last evaluated 2026-01-15.

Conditions:
Hereditary cancer-predisposing syndrome. Also called: Hereditary Cancer Syndrome; Hereditary neoplastic syndrome; Tumor predisposition; Neoplastic Syndromes, Hereditary. Identifiers: Orphanet 140162, MedGen C0027672, MeSH D009386, MONDO:0015356.
Familial cancer of breast. Also called: BREAST CANCER, FAMILIAL; hereditary breast carcinoma; Hereditary breast cancer. Identifiers: Orphanet 227535, MedGen C0346153, MONDO:0016419, OMIM 114480. Disease mechanism: loss of function.

gnomAD v4.1: 1 of 1,614,086 alleles (0.000062%); highest among the groups gnomAD compares: Non-Finnish European, 0.000085%; no homozygotes.

Submissions (3):

Labcorp Genetics (formerly Invitae), Labcorp
Classification: Uncertain significance for Familial cancer of breast. Last evaluated: 2026-01-15. Review status: criteria provided, single submitter. Criteria: Invitae Variant Classification Sherloc (09022015). Collection method: clinical testing. Allele origin: germline.
Comment: This sequence change replaces leucine, which is neutral and non-polar, with isoleucine, which is neutral and non-polar, at codon 169 of the PALB2 protein (p.Leu169Ile). This variant is not present in population databases (gnomAD no frequency). This variant has not been reported in the literature in individuals affected with PALB2-related conditions. ClinVar contains an entry for this variant (Variation ID: 126755). An algorithm developed to predict the effect of missense changes on protein structure and function (PolyPhen-2) suggests that this variant is likely to be disruptive. Experimental studies have shown that this missense change does not substantially affect PALB2 function (PMID: 31636395, 33139182). In summary, the available evidence is currently insufficient to determine the role of this variant in disease. Therefore, it has been classified as a Variant of Uncertain Significance.

Ambry Genetics
Classification: Likely benign for Hereditary cancer-predisposing syndrome. Last evaluated: 2024-02-19. Review status: criteria provided, single submitter. Criteria: Ambry Variant Classification Scheme 2023. Collection method: clinical testing. Allele origin: germline.

Leiden Open Variation Database
Classification: Uncertain significance for Familial cancer of breast. Last evaluated: 2019-05-13. Review status: no assertion criteria provided. Collection method: curation. Allele origin: germline. Affected: yes. Not counted in ClinVar's aggregate classification.
Comment: Curators: Marc Tischkowitz, Arleen D. Auerbach. Submitter to LOVD: Marc Tischkowitz.

Literature cited by the submitters: PubMed 31636395 (cited by Labcorp Genetics (formerly Invitae), Labcorp and Ambry Genetics); PubMed 33139182 (cited by Labcorp Genetics (formerly Invitae), Labcorp); PubMed 20122277 (cited by Ambry Genetics and Leiden Open Variation Database); PubMed 31586400 (cited by Ambry Genetics).

NM_024675.4(PALB2):c.505C>A (p.Leu169Ile)

Gene: PALB2 (partner and localizer of BRCA2; minus strand). Cytogenetic location: 16p12.2.
Variant type: single nucleotide variant.
Coding change: c.505C>A on transcript NM_024675.4 (MANE Select); coding-DNA position 505, C replaced by A.
Protein change: p.Leu169Ile; replaces leucine 169 with isoleucine.
Molecular consequence: missense variant.
Genome position (GRCh38, 1-based): chr16:23,636,041, G>T on the plus strand (C>A on the coding strand, the complement: PALB2 is on the minus strand). VCF-style: chr16-23636041-G-T. GRCh37 (hg19) VCF-style: chr16-23647362-G-T.
Other names: short protein forms L169I.
Identifiers: ClinVar variation 126755 (VCV000126755.15), dbSNP rs180177086, ClinGen allele CA269636.